The following is an entry in ClinVar:

NM_182972.3(IRF2BP2):c.451C>A (p.Pro151Thr)

Genes: IRF2BP2 (interferon regulatory factor 2 binding protein 2; minus strand), LOC129932812 (ATAC-STARR-seq lymphoblastoid silent region 1977; plus strand). Cytogenetic location: 1q42.3.
Variant type: single nucleotide variant.
Coding change: c.451C>A on transcript NM_182972.3 (MANE Select); coding-DNA position 451, C replaced by A.
Protein change: p.Pro151Thr; replaces proline 151 with threonine.
Molecular consequence: missense variant.
Genome position (GRCh38, 1-based): chr1:234,609,044, G>T on the plus strand (C>A on the coding strand, the complement: IRF2BP2 is on the minus strand). VCF-style: chr1-234609044-G-T. GRCh37 (hg19) VCF-style: chr1-234744790-G-T.
Other names: c.451C>A, p.Pro151Thr (NM_001077397.1); short protein forms P151T.
Identifiers: ClinVar variation 1030390 (VCV001030390.6), dbSNP rs868631595, ClinGen allele CA39546705.

ClinVar aggregate classification (germline): Uncertain significance. Review status: criteria provided, multiple submitters, no conflicts (2 of 4 stars). 3 submissions from 3 submitters: Uncertain significance (3). Last evaluated 2024-10-22.

Conditions:
Immunodeficiency, common variable, 14. Identifiers: Orphanet 696904, MedGen C4540380, MONDO:0054691, OMIM 617765.

Allele frequency attached by ClinVar (database versions not stated): gnomAD 0.00001.

Submissions (3):

Labcorp Genetics (formerly Invitae), Labcorp
Classification: Uncertain significance. Last evaluated: 2024-10-22. Review status: criteria provided, single submitter. Criteria: Invitae Variant Classification Sherloc (09022015). Collection method: clinical testing. Allele origin: germline.
Comment: This sequence change replaces proline, which is neutral and non-polar, with threonine, which is neutral and polar, at codon 151 of the IRF2BP2 protein (p.Pro151Thr). This variant is not present in population databases (gnomAD no frequency). This variant has not been reported in the literature in individuals affected with IRF2BP2-related conditions. ClinVar contains an entry for this variant (Variation ID: 1030390). An algorithm developed to predict the effect of missense changes on protein structure and function (PolyPhen-2) suggests that this variant is likely to be tolerated. In summary, the available evidence is currently insufficient to determine the role of this variant in disease. Therefore, it has been classified as a Variant of Uncertain Significance.

Baylor Genetics
Classification: Uncertain significance for Immunodeficiency, common variable, 14. Last evaluated: 2020-06-03. Review status: criteria provided, single submitter. Criteria: ACMG Guidelines, 2015. Collection method: clinical testing. Allele origin: unknown. Affected: yes.
Comment: This variant was determined to be of uncertain significance according to ACMG Guidelines, 2015 [PMID:25741868].

Breakthrough Genomics
Classification: Uncertain significance. Review status: criteria provided, single submitter. Criteria: ACMG Guidelines, 2015. Collection method: not provided. Allele origin: germline. Inheritance: Autosomal dominant inheritance. Affected: yes.